The following is an entry in ClinVar:

ClinVar aggregate classification (germline): Uncertain significance (1 of 4 stars; one submission).

Submission:

GeneDx
Classification: Uncertain significance. Last evaluated: 2024-05-20. Review status: criteria provided, single submitter. Criteria: GeneDx Variant Classification Process June 2021. Collection method: clinical testing. Allele origin: germline. Affected: yes.
Comment: Not observed at significant frequency in large population cohorts (gnomAD); In silico analysis supports that this missense variant has a deleterious effect on protein structure/function; Has not been previously published as pathogenic or benign to our knowledge

NM_001162501.2(TNRC6B):c.2861A>T (p.Glu954Val)

Gene: TNRC6B (trinucleotide repeat containing adaptor 6B; plus strand). Cytogenetic location: 22q13.1.
Variant type: single nucleotide variant.
Coding change: c.2861A>T on transcript NM_001162501.2 (MANE Select); coding-DNA position 2861, A replaced by T.
Protein change: p.Glu954Val; replaces glutamic acid 954 with valine.
Molecular consequence: missense variant. On other transcripts: intron variant (1).
Genome position (GRCh38, 1-based): chr22:40,270,176, A>T. VCF-style: chr22-40270176-A-T. GRCh37 (hg19) VCF-style: chr22-40666180-A-T.
Other names: c.620A>T, p.Glu207Val (NM_001024843.2); c.2806+3140A>T (NM_015088.3); short protein forms E207V, E954V.
Identifiers: ClinVar variation 3381695 (VCV003381695.1).